The following is an entry in ClinVar:

ClinVar aggregate classification (germline): Conflicting classifications of pathogenicity. Review status: criteria provided, conflicting classifications (1 of 4 stars). 7 submissions from 7 submitters: Uncertain significance (5); Likely benign (1). 1 of the submissions does not count toward it. Last evaluated 2026-02-02.

Conditions:
Inborn genetic diseases. Identifiers: MedGen C0950123, MeSH D030342.
Ataxia-pancytopenia syndrome (ATXPC). Also called: SAMD9L Ataxia-Pancytopenia Syndrome; SAMD9L-Related Syndrome. Identifiers: Orphanet 2585, MedGen C1327919, MONDO:0008038, OMIM 159550.
SAMD9L-related disorder. Also called: SAMD9L-related condition; SAMD9L-related disorders.

Allele frequency attached by ClinVar (database versions not stated): ExAC 0.00004; ESP Exome Variant Server 0.00008.

Submissions (7):

Labcorp Genetics (formerly Invitae), Labcorp
Classification: Uncertain significance. Last evaluated: 2026-02-02. Review status: criteria provided, single submitter. Criteria: Invitae Variant Classification Sherloc (09022015). Collection method: clinical testing. Allele origin: germline.
Comment: This sequence change replaces arginine, which is basic and polar, with glutamine, which is neutral and polar, at codon 589 of the SAMD9L protein (p.Arg589Gln). This variant is present in population databases (rs376339948, gnomAD 0.005%). This variant has not been reported in the literature in individuals affected with SAMD9L-related conditions. ClinVar contains an entry for this variant (Variation ID: 2177491). Invitae Evidence Modeling of protein sequence and biophysical properties (such as structural, functional, and spatial information, amino acid conservation, physicochemical variation, residue mobility, and thermodynamic stability) indicates that this missense variant is not expected to disrupt SAMD9L protein function with a negative predictive value of 80%. In summary, the available evidence is currently insufficient to determine the role of this variant in disease. Therefore, it has been classified as a Variant of Uncertain Significance.

Women's Health and Genetics/Laboratory Corporation of America, LabCorp
Classification: Uncertain significance. Last evaluated: 2025-11-28. Review status: criteria provided, single submitter. Criteria: LabCorp Variant Classification Summary - May 2015. Collection method: clinical testing. Allele origin: germline.
Comment: Variant summary: SAMD9L c.1766G>A (p.Arg589Gln) results in a conservative amino acid change in the encoded protein sequence. Algorithms developed to predict the effect of missense changes on protein structure and function all suggest that this variant is likely to be tolerated. The variant allele was found at a frequency of 2.4e-05 in 249848 control chromosomes. The available data on variant occurrences in the general population are insufficient to allow any conclusion about variant significance. To our knowledge, no occurrence of c.1766G>A in individuals affected with SAMD9L-related conditions and no experimental evidence demonstrating its impact on protein function have been reported. ClinVar contains an entry for this variant (Variation ID: 2177491). Based on the evidence outlined above, the variant was classified as uncertain significance.

GeneDx
Classification: Uncertain significance. Last evaluated: 2025-07-31. Review status: criteria provided, single submitter. Criteria: GeneDx Variant Classification Process June 2021. Collection method: clinical testing. Allele origin: germline. Affected: yes.
Comment: Has not been previously published as pathogenic or benign to our knowledge; In silico analysis suggests that this missense variant does not alter protein structure/function; This variant is associated with the following publications: (PMID: 28545555)

Ambry Genetics
Classification: Uncertain significance for Inborn genetic diseases. Last evaluated: 2024-11-23. Review status: criteria provided, single submitter. Criteria: Ambry Variant Classification Scheme 2023. Collection method: clinical testing. Allele origin: germline.
Comment: The p.R589Q variant (also known as c.1766G>A), located in coding exon 1 of the SAMD9L gene, results from a G to A substitution at nucleotide position 1766. The arginine at codon 589 is replaced by glutamine, an amino acid with highly similar properties. This amino acid position is conserved. In addition, this alteration is predicted to be tolerated by in silico analysis. Based on the available evidence, the clinical significance of this variant remains unclear.

Blueprint Genetics
Classification: Likely benign. Last evaluated: 2024-01-02. Review status: criteria provided, single submitter. Criteria: ACMG Guidelines, 2015. Collection method: clinical testing. Allele origin: germline.

St. Jude Molecular Pathology, St. Jude Children's Research Hospital
Classification: Uncertain significance for Ataxia-pancytopenia syndrome. Last evaluated: 2023-01-19. Review status: criteria provided, single submitter. Criteria: St. Jude Assertion Criteria 2020. Collection method: clinical testing. Allele origin: germline.
Comment: The SAMD9L c.1766G>A (p.Arg589Gln) missense change has a maximum subpopulation frequency of 0.0055% in gnomAD v2.1.1. The in silico tool REVEL predicts a benign effect on protein function, but to our knowledge this prediction has not been confirmed by functional studies. In silico predictions have not been found to correlate with syndromic risk and are not considered supporting evidence of a pathogenic or benign effect (PMID: 34621053). To our knowledge, this variant has not been reported in individuals with ataxia-pancytopenia syndrome or monosomy 7 myelodysplasia and leukemia syndrome. In summary, the evidence currently available is insufficient to determine the clinical significance of this variant. It has therefore been classified as of uncertain significance.

PreventionGenetics, part of Exact Sciences
Classification: Uncertain significance for SAMD9L-related condition. Last evaluated: 2024-06-24. Review status: no assertion criteria provided. Collection method: clinical testing. Allele origin: germline. Not counted in ClinVar's aggregate classification.
Comment: The SAMD9L c.1766G>A variant is predicted to result in the amino acid substitution p.Arg589Gln. To our knowledge, this variant has not been reported in the literature. This variant is reported in 0.0055% of alleles in individuals of European (Non-Finnish) descent in gnomAD. At this time, the clinical significance of this variant is uncertain due to the absence of conclusive functional and genetic evidence.

NM_152703.5(SAMD9L):c.1766G>A (p.Arg589Gln)

Gene: SAMD9L (sterile alpha motif domain containing 9 like; minus strand). Cytogenetic location: 7q21.2.
Variant type: single nucleotide variant.
Coding change: c.1766G>A on transcript NM_152703.5 (MANE Select); coding-DNA position 1766, G replaced by A.
Protein change: p.Arg589Gln; replaces arginine 589 with glutamine.
Molecular consequence: missense variant.
Genome position (GRCh38, 1-based): chr7:93,134,206, C>T on the plus strand (G>A on the coding strand, the complement: SAMD9L is on the minus strand). VCF-style: chr7-93134206-C-T. GRCh37 (hg19) VCF-style: chr7-92763519-C-T.
Other names: c.1766G>A (NM_152703.2, NM_152703.3); c.1766G>A, p.Arg589Gln (NM_001303496.3, NM_001303497.3, NM_001303498.3 and 5 more transcripts); short protein forms R589Q.
Identifiers: ClinVar variation 2177491 (VCV002177491.13), dbSNP rs376339948, ClinGen allele CA4343683.